The following is an entry in ClinVar:

ClinVar aggregate classification (germline): Uncertain significance. Review status: criteria provided, multiple submitters, no conflicts (2 of 4 stars). 3 submissions from 3 submitters: Uncertain significance (3). Last evaluated 2026-01-03.

Conditions:
Inborn genetic diseases. Identifiers: MedGen C0950123, MeSH D030342.

Allele frequency attached by ClinVar (database versions not stated): gnomAD exomes 0.00004 and 0.00005; gnomAD 0.00006 and 0.00007; TOPMed 0.00006; ExAC 0.00008; ESP Exome Variant Server 0.00008.
gnomAD v4.1: 83 of 1,614,046 alleles (0.0051%); highest among the groups gnomAD compares: Middle Eastern, 0.033%; no homozygotes.

Submissions (3):

Labcorp Genetics (formerly Invitae), Labcorp
Classification: Uncertain significance. Last evaluated: 2026-01-03. Review status: criteria provided, single submitter. Criteria: Invitae Variant Classification Sherloc (09022015). Collection method: clinical testing. Allele origin: germline.
Comment: This sequence change replaces proline, which is neutral and non-polar, with leucine, which is neutral and non-polar, at codon 714 of the AGBL5 protein (p.Pro714Leu). This variant is present in population databases (rs377413576, gnomAD 0.01%). This missense change has been observed in individual(s) with clinical features of retinitis pigmentosa (internal data). ClinVar contains an entry for this variant (Variation ID: 867072). An algorithm developed to predict the effect of missense changes on protein structure and function (PolyPhen-2) suggests that this variant is likely to be tolerated. In summary, the available evidence is currently insufficient to determine the role of this variant in disease. Therefore, it has been classified as a Variant of Uncertain Significance.

Ambry Genetics
Classification: Uncertain significance for Inborn genetic diseases. Last evaluated: 2025-03-16. Review status: criteria provided, single submitter. Criteria: Ambry Variant Classification Scheme 2023. Collection method: clinical testing. Allele origin: germline.

Blueprint Genetics
Classification: Uncertain significance. Last evaluated: 2023-08-22. Review status: criteria provided, single submitter. Criteria: ACMG Guidelines, 2015. Collection method: clinical testing. Allele origin: germline.

NM_021831.6(AGBL5):c.2141C>T (p.Pro714Leu)

Gene: AGBL5 (AGBL carboxypeptidase 5; plus strand). Cytogenetic location: 2p23.3.
Variant type: single nucleotide variant.
Coding change: c.2141C>T on transcript NM_021831.6 (MANE Select); coding-DNA position 2141, C replaced by T.
Protein change: p.Pro714Leu; replaces proline 714 with leucine.
Molecular consequence: missense variant. On other transcripts: non-coding transcript variant (2).
Genome position (GRCh38, 1-based): chr2:27,067,545, C>T. VCF-style: chr2-27067545-C-T. GRCh37 (hg19) VCF-style: chr2-27290413-C-T.
Other names: short protein forms P714L.
Identifiers: ClinVar variation 867072 (VCV000867072.9), dbSNP rs377413576, ClinGen allele CA1568107.